The following is an entry in ClinVar:

NM_022042.4(SLC26A1):c.736G>C (p.Val246Leu)

Genes: IDUA (alpha-L-iduronidase; plus strand), SLC26A1 (solute carrier family 26 member 1; minus strand). Cytogenetic location: 4p16.3.
Variant type: single nucleotide variant.
Coding change: c.736G>C on transcript NM_022042.4 (MANE Select); coding-DNA position 736, G replaced by C.
Protein change: p.Val246Leu; replaces valine 246 with leucine.
Molecular consequence: missense variant. On other transcripts: intron variant (2).
Genome position (GRCh38, 1-based): chr4:990,203, C>G on the plus strand (G>C on the coding strand, the complement: SLC26A1 is on the minus strand). VCF-style: chr4-990203-C-G. GRCh37 (hg19) VCF-style: chr4-983991-C-G.
Other names: c.736G>C, p.Val246Leu (NM_213613.4); c.576+925G>C (NM_134425.4); c.299+2254C>G (NM_000203.5); short protein forms V246L.
Identifiers: ClinVar variation 1372519 (VCV001372519.9), dbSNP rs778406580, ClinGen allele CA2801560.
Genomic context (GRCh38, chr4:990,203, plus strand): 5'-TGACCACGTCGCACACGTTGGCCTGCCCGGCGCCGCGCAGCAGGCTCAGCCATGTGAGGA[C>G]CACCATGCCGGGCCCCTGGTGCCGCGGGATCCGCACGCCCAGCAGGTGTTTGAGCTGCGA-3'
Protein context (NP_071325.2, residues 236-256): IPRHQGPGMV[Val246Leu]LTWLSLLRGA

ClinVar aggregate classification (germline): Uncertain significance. Review status: criteria provided, multiple submitters, no conflicts (2 of 4 stars). 3 submissions from 3 submitters: Uncertain significance (3). Last evaluated 2025-08-08.

Conditions:
Nephrolithiasis susceptibility caused by SLC26A1 (CAON1). Also called: NEPHROLITHIASIS, CALCIUM OXALATE, 1. Identifiers: MedGen C5779632, MONDO:0020722, OMIM 167030.
Hypersulfaturia (HYSULF). Identifiers: MedGen C5830511, MONDO:0957268, OMIM 620372.
Inborn genetic diseases. Identifiers: MedGen C0950123, MeSH D030342.

Allele frequency attached by ClinVar (database versions not stated): gnomAD exomes 0.00002 and 0.00008; gnomAD 0.00004; ExAC 0.00005; TOPMed 0.00005.
gnomAD v4.1: 114 of 1,562,170 alleles (0.0073%); highest among the groups gnomAD compares: Non-Finnish European, 0.0094%; no homozygotes.

Submissions (3):

Ambry Genetics
Classification: Uncertain significance for Inborn genetic diseases. Last evaluated: 2025-08-08. Review status: criteria provided, single submitter. Criteria: Ambry Variant Classification Scheme 2023. Collection method: clinical testing. Allele origin: germline.

Labcorp Genetics (formerly Invitae), Labcorp
Classification: Uncertain significance. Last evaluated: 2025-06-23. Review status: criteria provided, single submitter. Criteria: Invitae Variant Classification Sherloc (09022015). Collection method: clinical testing. Allele origin: germline.
Comment: This sequence change replaces valine, which is neutral and non-polar, with leucine, which is neutral and non-polar, at codon 246 of the SLC26A1 protein (p.Val246Leu). This variant is present in population databases (rs778406580, gnomAD 0.006%). This variant has not been reported in the literature in individuals affected with SLC26A1-related conditions. ClinVar contains an entry for this variant (Variation ID: 1372519). Invitae Evidence Modeling of protein sequence and biophysical properties (such as structural, functional, and spatial information, amino acid conservation, physicochemical variation, residue mobility, and thermodynamic stability) indicates that this missense variant is not expected to disrupt SLC26A1 protein function with a negative predictive value of 80%. In summary, the available evidence is currently insufficient to determine the role of this variant in disease. Therefore, it has been classified as a Variant of Uncertain Significance.

Fulgent Genetics
Classification: Uncertain significance for Nephrolithiasis susceptibility caused by SLC26A1; Hypersulfaturia. Last evaluated: 2024-04-10. Review status: criteria provided, single submitter. Criteria: ACMG Guidelines, 2015. Collection method: clinical testing. Allele origin: germline.